The following is an entry in ClinVar:

NM_001258392.3(CLPB):c.34C>G (p.Leu12Val)

Genes: CLPB (ClpB family mitochondrial disaggregase; minus strand), LOC130006336 (ATAC-STARR-seq lymphoblastoid active region 5191; plus strand). Cytogenetic location: 11q13.4.
Variant type: single nucleotide variant.
Coding change: c.34C>G on transcript NM_001258392.3 (MANE Select); coding-DNA position 34, C replaced by G.
Protein change: p.Leu12Val; replaces leucine 12 with valine.
Molecular consequence: missense variant. On other transcripts: 5 prime UTR variant (1).
Genome position (GRCh38, 1-based): chr11:72,434,441, G>C on the plus strand (C>G on the coding strand, the complement: CLPB is on the minus strand). VCF-style: chr11-72434441-G-C. GRCh37 (hg19) VCF-style: chr11-72145485-G-C.
Other names: c.34C>G, p.Leu12Val (NM_001258393.3, NM_030813.6); c.-209C>G (NM_001258394.3); short protein forms L12V.
Identifiers: ClinVar variation 2129341 (VCV002129341.4), dbSNP rs368624249, ClinGen allele CA381964172.
Genomic context (GRCh38, chr11:72,434,441, plus strand): 5'-CACCTCCATGGCCCCGGAGCGTTGGGGACCTGAGCAGCCGGAGGAGTAGCCGTGGCGCCA[G>C]TGCTTTTCTCCTCAACACCAGGGACCCCAGCATCTTGACAGCTGCTTCGATAACCCCGTG-3'
Protein context (NP_001245321.1, residues 2-22): LGSLVLRRKA[Leu12Val]APRLLLRLLR

ClinVar aggregate classification (germline): Uncertain significance (1 of 4 stars; one submission).

Conditions:
3-methylglutaconic aciduria, type VIIB (MGCA7B). Also called: CLPB Deficiency; 3-methylglutaconic aciduria, type VII, with cataracts, neurologic involvement and neutropenia; 3-methylglutaconic aciduria with cataracts, neurologic involvement and neutropenia. Identifiers: Orphanet 445038, MedGen C5676893, MONDO:0014561, OMIM 616271.

Submission:

Labcorp Genetics (formerly Invitae), Labcorp
Classification: Uncertain significance for 3-methylglutaconic aciduria, type VIIB. Last evaluated: 2024-10-21. Review status: criteria provided, single submitter. Criteria: Invitae Variant Classification Sherloc (09022015). Collection method: clinical testing. Allele origin: germline.
Comment: This sequence change replaces leucine, which is neutral and non-polar, with valine, which is neutral and non-polar, at codon 12 of the CLPB protein (p.Leu12Val). This variant is not present in population databases (gnomAD no frequency). This variant has not been reported in the literature in individuals affected with CLPB-related conditions. ClinVar contains an entry for this variant (Variation ID: 2129341). Experimental studies and prediction algorithms are not available or were not evaluated, and the functional significance of this variant is currently unknown. In summary, the available evidence is currently insufficient to determine the role of this variant in disease. Therefore, it has been classified as a Variant of Uncertain Significance.